The following is an entry in ClinVar:

ClinVar aggregate classification (germline): Uncertain significance. Review status: criteria provided, multiple submitters, no conflicts (2 of 4 stars). 2 submissions from 2 submitters: Uncertain significance (2). Last evaluated 2023-07-14.

Conditions:
Inborn genetic diseases. Identifiers: MedGen C0950123, MeSH D030342.

Allele frequency attached by ClinVar (database versions not stated): gnomAD exomes below 0.00001; ExAC 0.00001; gnomAD 0.00001; ESP Exome Variant Server 0.00008.
gnomAD v4.1: 2 of 1,614,020 alleles (0.00012%); highest among the groups gnomAD compares: East Asian, 0.0022%; no homozygotes.

Submissions (2):

Ambry Genetics
Classification: Uncertain significance for Inborn genetic diseases. Last evaluated: 2023-07-14. Review status: criteria provided, single submitter. Criteria: Ambry Variant Classification Scheme 2023. Collection method: clinical testing. Allele origin: germline.

Labcorp Genetics (formerly Invitae), Labcorp
Classification: Uncertain significance. Last evaluated: 2022-05-28. Review status: criteria provided, single submitter. Criteria: Invitae Variant Classification Sherloc (09022015). Collection method: clinical testing. Allele origin: germline.
Comment: In summary, the available evidence is currently insufficient to determine the role of this variant in disease. Therefore, it has been classified as a Variant of Uncertain Significance. Advanced modeling of protein sequence and biophysical properties (such as structural, functional, and spatial information, amino acid conservation, physicochemical variation, residue mobility, and thermodynamic stability) performed at Invitae indicates that this missense variant is not expected to disrupt FAT4 protein function. This variant has not been reported in the literature in individuals affected with FAT4-related conditions. This variant is not present in population databases (gnomAD no frequency). This sequence change replaces lysine, which is basic and polar, with glutamic acid, which is acidic and polar, at codon 4538 of the FAT4 protein (p.Lys4538Glu).

NM_001291303.3(FAT4):c.13618A>G (p.Lys4540Glu)

Gene: FAT4 (FAT atypical cadherin 4; plus strand). Cytogenetic location: 4q28.1.
Variant type: single nucleotide variant.
Coding change: c.13618A>G on transcript NM_001291303.3 (MANE Select); coding-DNA position 13618, A replaced by G.
Protein change: p.Lys4540Glu; replaces lysine 4540 with glutamic acid.
Molecular consequence: missense variant.
Genome position (GRCh38, 1-based): chr4:125,490,434, A>G. VCF-style: chr4-125490434-A-G. GRCh37 (hg19) VCF-style: chr4-126411589-A-G.
Other names: c.13612A>G (NM_024582.4); c.13615A>G, p.Lys4539Glu (NM_001291285.3); c.13612A>G, p.Lys4538Glu (NM_024582.6); short protein forms K4540E, K4538E, K4539E.
Identifiers: ClinVar variation 1974751 (VCV001974751.7), dbSNP rs141970529, ClinGen allele CA3074401.